The following is an entry in ClinVar:

NM_004444.5(EPHB4):c.1879G>A (p.Gly627Ser)

Gene: EPHB4 (EPH receptor B4; minus strand). Cytogenetic location: 7q22.1.
Variant type: single nucleotide variant.
Coding change: c.1879G>A on transcript NM_004444.5 (MANE Select); coding-DNA position 1879, G replaced by A.
Protein change: p.Gly627Ser; replaces glycine 627 with serine.
Molecular consequence: missense variant.
Genome position (GRCh38, 1-based): chr7:100,812,986, C>T on the plus strand (G>A on the coding strand, the complement: EPHB4 is on the minus strand). VCF-style: chr7-100812986-C-T. GRCh37 (hg19) VCF-style: chr7-100410608-C-T.
Other names: short protein forms G627S.
Identifiers: ClinVar variation 5019356 (VCV005019356.2).

ClinVar aggregate classification (germline): Uncertain significance (1 of 4 stars; one submission).

Conditions:
Capillary malformation-arteriovenous malformation 2 (CMAVM2). Identifiers: Orphanet 693912, MedGen C4748670, MONDO:0020785, OMIM 618196.
Lymphatic malformation 7 (LMPHM7). Also called: Hydrops fetalis, nonimmune, and/or atrial septal defect, susceptibility to. Identifiers: MedGen C4310629, MONDO:0015009, OMIM 617300.

Submission:

Juno Genomics, Hangzhou Juno Genomics, Inc
Classification: Uncertain significance for Capillary malformation-arteriovenous malformation 2; Lymphatic malformation 7. Review status: criteria provided, single submitter. Criteria: ACMG Guidelines, 2015. Collection method: clinical testing. Allele origin: germline.
Comment: Absent from controls (or at extremely low frequency if recessive) in Genome Aggregation Database.;Multiple lines of computational evidence support a deleterious effect on the gene or gene product.